The following is an entry in ClinVar:

ClinVar aggregate classification (germline): Uncertain significance (1 of 4 stars; one submission).

Submission:

CeGaT Center for Human Genetics Tuebingen
Classification: Uncertain significance. Last evaluated: 2026-02-01. Review status: criteria provided, single submitter. Criteria: CeGaT Center For Human Genetics Tuebingen Variant Classification Criteria Version 2. Collection method: clinical testing. Allele origin: germline. Affected: yes. Observed: 1 variant allele.
Comment: SREBF1: PM2

NM_004176.5(SREBF1):c.3076C>A (p.Gln1026Lys)

Gene: SREBF1 (sterol regulatory element binding transcription factor 1; minus strand). Cytogenetic location: 17p11.2.
Variant type: single nucleotide variant.
Coding change: c.3076C>A on transcript NM_004176.5 (MANE Select); coding-DNA position 3076, C replaced by A.
Protein change: p.Gln1026Lys; replaces glutamine 1026 with lysine.
Molecular consequence: missense variant. On other transcripts: non-coding transcript variant (4).
Genome position (GRCh38, 1-based): chr17:17,813,595, G>T on the plus strand (C>A on the coding strand, the complement: SREBF1 is on the minus strand). VCF-style: chr17-17813595-G-T. GRCh37 (hg19) VCF-style: chr17-17716909-G-T.
Other names: c.3049C>A, p.Gln1017Lys (NM_001388391.1); c.2854C>A, p.Gln952Lys (NM_001388392.1); c.2695C>A, p.Gln899Lys (NM_001388393.1); c.2644C>A, p.Gln882Lys (NM_001388394.1); c.3166C>A, p.Gln1056Lys (NM_001005291.3); c.3004C>A, p.Gln1002Lys (NM_001321096.3); c.3163C>A, p.Gln1055Lys (NM_001388385.1); c.3076C>A, p.Gln1026Lys (NM_001388386.1); and 4 more; short protein forms Q1002K, Q1011K, Q1017K, Q1020K, Q1024K, Q1026K, Q1039K, Q1055K.
Identifiers: ClinVar variation 4535058 (VCV004535058.6).